The following is an entry in ClinVar:

ClinVar aggregate classification (germline): Likely pathogenic (1 of 4 stars; one submission).

Conditions:
Inborn genetic diseases. Identifiers: MedGen C0950123, MeSH D030342.

Submission:

Ambry Genetics
Classification: Likely pathogenic for Inborn genetic diseases. Last evaluated: 2022-08-12. Review status: criteria provided, single submitter. Criteria: Ambry Variant Classification Scheme 2023. Collection method: clinical testing. Allele origin: germline.
Comment: The c.7388C>G (p.P2463R) alteration is located in exon 9 (coding exon 7) of the ANKRD11 gene. This alteration results from a C to G substitution at nucleotide position 7388, causing the proline (P) at amino acid position 2463 to be replaced by an arginine (R). This variant was not reported in population-based cohorts in the Genome Aggregation Database (gnomAD). Another alteration at the same codon, c.7388C>A (p.P2463H), has been described as de novo in a patient with features of KBG syndrome (de Boer, 2022). This amino acid position is highly conserved in available vertebrate species. This missense alteration is located in a region that has a low rate of benign missense variation (Lek, 2016; Firth, 2009). The in silico prediction for this alteration is inconclusive. Based on the available evidence, this alteration is classified as likely pathogenic.

Literature cited by the submitters: PubMed 35833929.

NM_013275.6(ANKRD11):c.7388C>G (p.Pro2463Arg)

Gene: ANKRD11 (ankyrin repeat domain containing 11; minus strand). Cytogenetic location: 16q24.3.
Variant type: single nucleotide variant.
Coding change: c.7388C>G on transcript NM_013275.6 (MANE Select); coding-DNA position 7388, C replaced by G.
Protein change: p.Pro2463Arg; replaces proline 2463 with arginine.
Molecular consequence: missense variant.
Genome position (GRCh38, 1-based): chr16:89,279,154, G>C on the plus strand (C>G on the coding strand, the complement: ANKRD11 is on the minus strand). VCF-style: chr16-89279154-G-C. GRCh37 (hg19) VCF-style: chr16-89345562-G-C.
Other names: c.7388C>G, p.Pro2463Arg (NM_001256182.2, NM_001256183.2); short protein forms P2463R.
Identifiers: ClinVar variation 2301325 (VCV002301325.2), dbSNP rs2544218427, ClinGen allele CA397148460.